The following is an entry in ClinVar:

ClinVar aggregate classification (germline): Likely pathogenic (1 of 4 stars; one submission).

Conditions:
Becker muscular dystrophy, Cardiomyopathy, Duchenne muscular dystrophy, Dystrophin deficiency.

Submission:

Natera, Inc.
Classification: Likely pathogenic for Becker muscular dystrophy, Cardiomyopathy, Duchenne muscular dystrophy, Dystrophin deficiency. Last evaluated: 2026-01-03. Review status: criteria provided, single submitter. Criteria: Natera Variant Classification Schema (03/2026). Collection method: clinical testing. Allele origin: germline.
Comment: The c.407del variant in DMD is a frameshift variant predicted to shift the reading frame beginning at codon 136 and leads to a stop codon 6 codons downstream. This variant is expected to result in nonsense mediated decay, truncation, or a dysfunctional protein product. This variant is rare in the general population with a frequency below the threshold expected for the associated phenotype(s). Given the available evidence, this variant is classified as Likely Pathogenic.

NM_004006.3(DMD):c.407del (p.Ser136fs)

Gene: DMD (dystrophin; minus strand). Cytogenetic location: Xp21.1.
Variant type: Deletion.
Coding change: c.407del on transcript NM_004006.3 (MANE Select); coding-DNA position 407, one base deleted (G; older notation c.407delG).
Protein change: p.Ser136fs; shifts the reading frame from serine 136.
Molecular consequence: frameshift variant.
Genome position (GRCh38, 1-based): chrX:32,816,591, C deleted on the plus strand (G on the coding strand, the reverse complement: DMD is on the minus strand). VCF-style (leftmost placement, unchanged base first): chrX-32816590-AC-A. GRCh37 (hg19) VCF-style: chrX-32834707-AC-A.
Other names: c.383del, p.Ser128fs (NM_000109.4); c.407delG, p.Ser136Metfs (NM_004006.2); c.395del, p.Ser132fs (NM_004009.3); c.38del, p.Ser13fs (NM_004010.3); short protein forms S128fs, S132fs, S136fs, S13fs.
Identifiers: ClinVar variation 4815308 (VCV004815308.1).